The following is an entry in ClinVar:

NM_012330.4(KAT6B):c.3157C>T (p.Pro1053Ser)

Gene: KAT6B (lysine acetyltransferase 6B; plus strand). Cytogenetic location: 10q22.2.
Variant type: single nucleotide variant.
Coding change: c.3157C>T on transcript NM_012330.4 (MANE Select); coding-DNA position 3157, C replaced by T.
Protein change: p.Pro1053Ser; replaces proline 1053 with serine.
Molecular consequence: missense variant.
Genome position (GRCh38, 1-based): chr10:75,022,016, C>T. VCF-style: chr10-75022016-C-T. GRCh37 (hg19) VCF-style: chr10-76781774-C-T.
Other names: c.2608C>T, p.Pro870Ser (NM_001256468.2, NM_001370138.1); c.2281C>T, p.Pro761Ser (NM_001256469.2, NM_001370139.1, NM_001370140.1 and 2 more transcripts); c.2119C>T, p.Pro707Ser (NM_001370132.1); c.1468C>T, p.Pro490Ser (NM_001370133.1); c.1072C>T, p.Pro358Ser (NM_001370134.1); c.814C>T, p.Pro272Ser (NM_001370135.1); c.3157C>T, p.Pro1053Ser (NM_001370136.1, NM_001370137.1); c.2092C>T, p.Pro698Ser (NM_001370143.1, NM_001370144.1); short protein forms P490S, P707S, P761S, P272S, P358S, P698S, P870S, P1053S.
Identifiers: ClinVar variation 2078142 (VCV002078142.5), dbSNP rs1845446786, ClinGen allele CA377283934.

ClinVar aggregate classification (germline): Uncertain significance (1 of 4 stars; one submission).

Conditions:
Genitopatellar syndrome (GTPTS). Also called: Genitopatellar syndrome (GPS); ABSENT PATELLAE, SCROTAL HYPOPLASIA, RENAL ANOMALIES, FACIAL DYSMORPHISM, AND MENTAL RETARDATION. Identifiers: Orphanet 85201, MedGen C1853566, MONDO:0011640, OMIM 606170.

Allele frequency attached by ClinVar (database versions not stated): TOPMed below 0.00001.

Submissions (2):

Labcorp Genetics (formerly Invitae), Labcorp
Classification: Uncertain significance for Genitopatellar syndrome. Last evaluated: 2023-01-24. Review status: criteria provided, single submitter. Criteria: Invitae Variant Classification Sherloc (09022015). Collection method: clinical testing. Allele origin: germline.
Comment: In summary, the available evidence is currently insufficient to determine the role of this variant in disease. Therefore, it has been classified as a Variant of Uncertain Significance. Advanced modeling of protein sequence and biophysical properties (such as structural, functional, and spatial information, amino acid conservation, physicochemical variation, residue mobility, and thermodynamic stability) performed at Invitae indicates that this missense variant is not expected to disrupt KAT6B protein function. This variant has not been reported in the literature in individuals affected with KAT6B-related conditions. This variant is not present in population databases (gnomAD no frequency). This sequence change replaces proline, which is neutral and non-polar, with serine, which is neutral and polar, at codon 1053 of the KAT6B protein (p.Pro1053Ser).

Dr. Peter K. Rogan Lab, Western University
No classification provided (evidence only). Condition: Thyroid cancer, nonmedullary, 1. Review status: no classification provided. Collection method: in vitro. Allele origin: not applicable. Functional consequence: retained intron. Not counted in ClinVar's aggregate classification.